The following is an entry in ClinVar:

NM_000334.4(SCN4A):c.2026G>A (p.Val676Ile)

Genes: GH-LCR (growth hormone locus control region; plus strand), SCN4A (sodium voltage-gated channel alpha subunit 4; minus strand). Cytogenetic location: 17q23.3.
Variant type: single nucleotide variant.
Coding change: c.2026G>A on transcript NM_000334.4 (MANE Select); coding-DNA position 2026, G replaced by A.
Protein change: p.Val676Ile; replaces valine 676 with isoleucine.
Molecular consequence: missense variant.
Genome position (GRCh38, 1-based): chr17:63,957,512, C>T on the plus strand (G>A on the coding strand, the complement: SCN4A is on the minus strand). VCF-style: chr17-63957512-C-T. GRCh37 (hg19) VCF-style: chr17-62034872-C-T.
Other names: short protein forms V676I.
Identifiers: ClinVar variation 1915109 (VCV001915109.5), dbSNP rs774271405, ClinGen allele CA8709670.

ClinVar aggregate classification (germline): Uncertain significance (1 of 4 stars; one submission).

Conditions:
Hyperkalemic periodic paralysis. Also called: Familial hyperkalemic periodic paralysis; Gamstorp disease. Identifiers: Orphanet 682, MedGen C0238357, MONDO:0008224, OMIM 170500, HP:0007215.

Allele frequency attached by ClinVar (database versions not stated): ExAC 0.00002; TOPMed 0.00002.
gnomAD v4.1: 2 of 1,609,194 alleles (0.00012%); highest among the groups gnomAD compares: East Asian, 0.0022%; no homozygotes.

Submission:

Labcorp Genetics (formerly Invitae), Labcorp
Classification: Uncertain significance for Hyperkalemic periodic paralysis. Last evaluated: 2022-09-07. Review status: criteria provided, single submitter. Criteria: Invitae Variant Classification Sherloc (09022015). Collection method: clinical testing. Allele origin: germline.
Comment: This variant is present in population databases (rs774271405, gnomAD 0.007%). This sequence change replaces valine, which is neutral and non-polar, with isoleucine, which is neutral and non-polar, at codon 676 of the SCN4A protein (p.Val676Ile). This variant has not been reported in the literature in individuals affected with SCN4A-related conditions. Algorithms developed to predict the effect of missense changes on protein structure and function are either unavailable or do not agree on the potential impact of this missense change (SIFT: "Deleterious"; PolyPhen-2: "Benign"; Align-GVGD: "Class C25"). In summary, the available evidence is currently insufficient to determine the role of this variant in disease. Therefore, it has been classified as a Variant of Uncertain Significance.